The following is an entry in ClinVar:

NM_000256.3(MYBPC3):c.573G>A (p.Trp191Ter)

Gene: MYBPC3 (myosin binding protein C3; minus strand). Cytogenetic location: 11p11.2.
Variant type: single nucleotide variant.
Coding change: c.573G>A on transcript NM_000256.3 (MANE Select); coding-DNA position 573, G replaced by A.
Protein change: p.Trp191Ter; replaces tryptophan 191 with a stop codon.
Molecular consequence: nonsense.
Genome position (GRCh38, 1-based): chr11:47,349,855, C>T on the plus strand (G>A on the coding strand, the complement: MYBPC3 is on the minus strand). VCF-style: chr11-47349855-C-T. GRCh37 (hg19) VCF-style: chr11-47371406-C-T.
Other names: short protein forms W191*.
Identifiers: ClinVar variation 2124940 (VCV002124940.4), dbSNP rs755983199, ClinGen allele CA380337812.
Genomic context (GRCh38, chr11:47,349,855, plus strand): 5'-GTCGTGCAGCTGCAGGTGCTGGCCCACCTTGCTGCTCAGGTCCACCCATTTGCCCTTGAA[C>T]CACTTGACCACAGGCGGCTTCAGGAGGCTGGCGCCGGCCACGCGGGCTGAGAAGGTGATG-3'

ClinVar aggregate classification (germline): Pathogenic (1 of 4 stars; one submission).

Conditions:
Hypertrophic cardiomyopathy. Also called: HYPERTROPHIC MYOCARDIOPATHY. Identifiers: Orphanet 217569, MedGen C0007194, MeSH D002312, MONDO:0005045, HP:0001639.

Submission:

Labcorp Genetics (formerly Invitae), Labcorp
Classification: Pathogenic for Hypertrophic cardiomyopathy. Last evaluated: 2022-04-11. Review status: criteria provided, single submitter. Criteria: Invitae Variant Classification Sherloc (09022015). Collection method: clinical testing. Allele origin: germline.
Comment: For these reasons, this variant has been classified as Pathogenic. This variant has not been reported in the literature in individuals affected with MYBPC3-related conditions. This variant is not present in population databases (gnomAD no frequency). This sequence change creates a premature translational stop signal (p.Trp191*) in the MYBPC3 gene. It is expected to result in an absent or disrupted protein product. Loss-of-function variants in MYBPC3 are known to be pathogenic (PMID: 19574547).

Literature cited by the submitters: PubMed 19574547.